The following is an entry in ClinVar:

NM_001378609.3(OTOGL):c.2857G>C (p.Asp953His)

Gene: OTOGL (otogelin like; plus strand). Cytogenetic location: 12q21.31.
Variant type: single nucleotide variant.
Coding change: c.2857G>C on transcript NM_001378609.3 (MANE Select); coding-DNA position 2857, G replaced by C.
Protein change: p.Asp953His; replaces aspartic acid 953 with histidine.
Molecular consequence: missense variant.
Genome position (GRCh38, 1-based): chr12:80,279,095, G>C. VCF-style: chr12-80279095-G-C. GRCh37 (hg19) VCF-style: chr12-80672875-G-C.
Other names: c.2857G>C, p.Asp953His (NM_001368062.3, NM_001378610.3, NM_173591.7); short protein forms D953H.
Identifiers: ClinVar variation 2895068 (VCV002895068.3), dbSNP rs200438973, ClinGen allele CA6700915.

ClinVar aggregate classification (germline): Uncertain significance. Review status: criteria provided, multiple submitters, no conflicts (2 of 4 stars). 2 submissions from 2 submitters: Uncertain significance (2). Last evaluated 2025-08-23.

Allele frequency attached by ClinVar (database versions not stated): TOPMed 0.00002; gnomAD 0.00005.
gnomAD v4.1: 81 of 1,594,210 alleles (0.0051%); highest among the groups gnomAD compares: Non-Finnish European, 0.006%; no homozygotes.

Submissions (2):

Labcorp Genetics (formerly Invitae), Labcorp
Classification: Uncertain significance. Last evaluated: 2025-08-23. Review status: criteria provided, single submitter. Criteria: Invitae Variant Classification Sherloc (09022015). Collection method: clinical testing. Allele origin: germline.
Comment: This sequence change replaces aspartic acid, which is acidic and polar, with histidine, which is basic and polar, at codon 944 of the OTOGL protein (p.Asp944His). This variant is present in population databases (rs200438973, gnomAD 0.02%). This variant has not been reported in the literature in individuals affected with OTOGL-related conditions. ClinVar contains an entry for this variant (Variation ID: 2895068). An algorithm developed to predict the effect of missense changes on protein structure and function (PolyPhen-2) suggests that this variant is likely to be disruptive. In summary, the available evidence is currently insufficient to determine the role of this variant in disease. Therefore, it has been classified as a Variant of Uncertain Significance.

Blueprint Genetics
Classification: Uncertain significance. Last evaluated: 2024-08-01. Review status: criteria provided, single submitter. Criteria: ACMG Guidelines, 2015. Collection method: clinical testing. Allele origin: germline.